The following is an entry in ClinVar:

NM_001348716.2(KDM6B):c.93C>G (p.Cys31Trp)

Gene: KDM6B (lysine demethylase 6B; plus strand). Cytogenetic location: 17p13.1.
Variant type: single nucleotide variant.
Coding change: c.93C>G on transcript NM_001348716.2 (MANE Select); coding-DNA position 93, C replaced by G.
Protein change: p.Cys31Trp; replaces cysteine 31 with tryptophan.
Molecular consequence: missense variant.
Genome position (GRCh38, 1-based): chr17:7,845,647, C>G. VCF-style: chr17-7845647-C-G. GRCh37 (hg19) VCF-style: chr17-7748965-C-G.
Other names: c.93C>G, p.Cys31Trp (NM_001080424.2); short protein forms C31W.
Identifiers: ClinVar variation 5010047 (VCV005010047.1).

ClinVar aggregate classification (germline): Uncertain significance (1 of 4 stars; one submission).

Submission:

GeneDx
Classification: Uncertain significance. Last evaluated: 2026-02-23. Review status: criteria provided, single submitter. Criteria: GeneDx Variant Classification Process June 2021. Collection method: clinical testing. Allele origin: germline.
Comment: Not observed at significant frequency in large population cohorts (gnomAD); In silico analysis suggests that this missense variant does not alter protein structure/function; Has not been previously published as pathogenic or benign to our knowledge